The following is an entry in ClinVar:

NM_002354.3(EPCAM):c.273T>A (p.Asn91Lys)

Gene: EPCAM (epithelial cell adhesion molecule; plus strand). Cytogenetic location: 2p21.
Variant type: single nucleotide variant.
Coding change: c.273T>A on transcript NM_002354.3 (MANE Select); coding-DNA position 273, T replaced by A.
Protein change: p.Asn91Lys; replaces asparagine 91 with lysine.
Molecular consequence: missense variant.
Genome position (GRCh38, 1-based): chr2:47,373,896, T>A. VCF-style: chr2-47373896-T-A. GRCh37 (hg19) VCF-style: chr2-47601035-T-A.
Other names: short protein forms N91K.
Identifiers: ClinVar variation 2566634 (VCV002566634.2), dbSNP rs2103747304, ClinGen allele CA346723011.

ClinVar aggregate classification (germline): Uncertain significance (1 of 4 stars; one submission).

Conditions:
Hereditary cancer-predisposing syndrome. Also called: Hereditary neoplastic syndrome; Hereditary Cancer Syndrome; Neoplastic Syndromes, Hereditary; Tumor predisposition. Identifiers: Orphanet 140162, MedGen C0027672, MeSH D009386, MONDO:0015356.

Submission:

Ambry Genetics
Classification: Uncertain significance for Hereditary cancer-predisposing syndrome. Last evaluated: 2023-05-13. Review status: criteria provided, single submitter. Criteria: Ambry Variant Classification Scheme 2023. Collection method: clinical testing. Allele origin: germline.
Comment: The p.N91K variant (also known as c.273T>A), located in coding exon 3 of the EPCAM gene, results from a T to A substitution at nucleotide position 273. The asparagine at codon 91 is replaced by lysine, an amino acid with similar properties. This amino acid position is conserved. In addition, this alteration is predicted to be tolerated by in silico analysis. Since supporting evidence is limited at this time, the clinical significance of this alteration remains unclear.